The following is an entry in ClinVar:

ClinVar aggregate classification (germline): Uncertain significance (1 of 4 stars; one submission).

Allele frequency attached by ClinVar (database versions not stated): gnomAD exomes below 0.00001.
gnomAD v4.1: 5 of 1,613,752 alleles (0.00031%); highest among the groups gnomAD compares: Non-Finnish European, 0.00042%; no homozygotes.

Submission:

Labcorp Genetics (formerly Invitae), Labcorp
Classification: Uncertain significance. Last evaluated: 2024-09-27. Review status: criteria provided, single submitter. Criteria: Invitae Variant Classification Sherloc (09022015). Collection method: clinical testing. Allele origin: germline.
Comment: This sequence change replaces proline, which is neutral and non-polar, with serine, which is neutral and polar, at codon 610 of the COL4A1 protein (p.Pro610Ser). This variant is not present in population databases (gnomAD no frequency). This variant has not been reported in the literature in individuals affected with COL4A1-related conditions. ClinVar contains an entry for this variant (Variation ID: 2194640). An algorithm developed to predict the effect of missense changes on protein structure and function outputs the following: PolyPhen-2: "Benign". The serine amino acid residue is found in multiple mammalian species, which suggests that this missense change does not adversely affect protein function. In summary, the available evidence is currently insufficient to determine the role of this variant in disease. Therefore, it has been classified as a Variant of Uncertain Significance.

NM_001845.6(COL4A1):c.1828C>T (p.Pro610Ser)

Gene: COL4A1 (collagen type IV alpha 1 chain; minus strand). Cytogenetic location: 13q34.
Variant type: single nucleotide variant.
Coding change: c.1828C>T on transcript NM_001845.6 (MANE Select); coding-DNA position 1828, C replaced by T.
Protein change: p.Pro610Ser; replaces proline 610 with serine.
Molecular consequence: missense variant.
Genome position (GRCh38, 1-based): chr13:110,186,454, G>A on the plus strand (C>T on the coding strand, the complement: COL4A1 is on the minus strand). VCF-style: chr13-110186454-G-A. GRCh37 (hg19) VCF-style: chr13-110838801-G-A.
Other names: short protein forms P610S.
Identifiers: ClinVar variation 2194640 (VCV002194640.4), dbSNP rs2501798421, ClinGen allele CA388722648.